The following is an entry in ClinVar:

ClinVar aggregate classification (germline): Conflicting classifications of pathogenicity. Review status: criteria provided, conflicting classifications (1 of 4 stars). 6 submissions from 6 submitters: Uncertain significance (5); Likely benign (1). Last evaluated 2026-07-10.

Conditions:
ACVRL1-related disorder. Also called: ACVRL1-related condition; ACVRL1-related disorders.
Cardiovascular phenotype. Identifiers: MedGen CN230736.
Telangiectasia, hereditary hemorrhagic, type 2 (HHT2). Also called: Telangiectasia, hereditary hemorrhagic, type II; ACVRL1-Related Hereditary Hemorrhagic Telangiectasia. Identifiers: Orphanet 774, MedGen C1838163, MONDO:0010880, OMIM 600376. Disease mechanism: loss of function.

Allele frequency attached by ClinVar (database versions not stated): gnomAD exomes 0.00001; ExAC 0.00002; TOPMed 0.00005; gnomAD 0.00006 and 0.00007; ESP Exome Variant Server 0.00008.

Submissions (6):

PreventionGenetics, part of Exact Sciences
Classification: Uncertain significance for ACVRL1-related condition. Last evaluated: 2026-07-10. Review status: criteria provided, single submitter. Criteria: ACMG Guidelines, 2015. Collection method: clinical testing. Allele origin: germline.
Comment: The ACVRL1 c.682G>A variant is predicted to result in the amino acid substitution p.Val228Ile. This variant was reported in two individuals with pulmonary arterial hypertension; however, these individuals also had additional variants in other candidate genes (Pousada et al. 2016. PubMed ID: 27630060), In a second study, this variant was documented as de novo in an individual with lambdoid craniosynostosis (Supplemental Table 2 in Timberlake et al. 2022. PubMed ID: 35997807). This variant is reported in 0.0062% of alleles in individuals of African descent in gnomAD. At this time, the clinical significance of this variant is uncertain due to the absence of conclusive functional and genetic evidence.

Labcorp Genetics (formerly Invitae), Labcorp
Classification: Uncertain significance for Telangiectasia, hereditary hemorrhagic, type 2. Last evaluated: 2025-01-02. Review status: criteria provided, single submitter. Criteria: Invitae Variant Classification Sherloc (09022015). Collection method: clinical testing. Allele origin: germline.
Comment: This sequence change replaces valine, which is neutral and non-polar, with isoleucine, which is neutral and non-polar, at codon 228 of the ACVRL1 protein (p.Val228Ile). This variant is present in population databases (rs138048445, gnomAD 0.003%). This missense change has been observed in individual(s) with pulmonary arterial hypertension (PMID: 27630060). ClinVar contains an entry for this variant (Variation ID: 212799). An algorithm developed to predict the effect of missense changes on protein structure and function outputs the following: PolyPhen-2: "Benign". The isoleucine amino acid residue is found in multiple mammalian species, which suggests that this missense change does not adversely affect protein function. In summary, the available evidence is currently insufficient to determine the role of this variant in disease. Therefore, it has been classified as a Variant of Uncertain Significance.

GeneDx
Classification: Uncertain significance. Last evaluated: 2024-11-13. Review status: criteria provided, single submitter. Criteria: GeneDx Variant Classification Process June 2021. Collection method: clinical testing. Allele origin: germline. Affected: yes.
Comment: Identified in patients with idiopathic pulmonary arterial hypertension (PAH) in published literature who harbored additional variants in other PAH-associated genes (PMID: 27630060); In silico analysis supports that this missense variant does not alter protein structure/function; This variant is associated with the following publications: (PMID: 31589614, 35997807, 27630060)

Women's Health and Genetics/Laboratory Corporation of America, LabCorp
Classification: Uncertain significance. Last evaluated: 2024-10-01. Review status: criteria provided, single submitter. Criteria: LabCorp Variant Classification Summary - May 2015. Collection method: clinical testing. Allele origin: germline.
Comment: Variant summary: ACVRL1 c.682G>A (p.Val228Ile) results in a conservative amino acid change located in the Protein kinase domain (IPR000719) of the encoded protein sequence. Four of five in-silico tools predict a damaging effect of the variant on protein function. The variant allele was found at a frequency of 1.4e-05 in 1607170 control chromosomes in the gnomAD database (v4.1 dataset). This frequency is somewhat lower than the estimated maximum expected for a pathogenic variant in ACVRL1 causing Hereditary Hemorrhagic Telangiectasia (3.3e-05), allowing no clear conclusions about variant significance. The variant, c.682G>A, has been reported in the literature in individuals affected with idiopathic pulmonary arterial hypertension (Pousada_2016) and as a de novo event in a child affected with craniosynostosis, who didn't show any signs of Hemorrhagic Telangiectasia (Timberlake_2022). To our knowledge, no experimental evidence demonstrating an impact on protein function has been reported. The following publications have been ascertained in the context of this evaluation (PMID: 27630060, 35997807). ClinVar contains an entry for this variant (Variation ID: 212799). Based on the evidence outlined above, the variant was classified as uncertain significance.

Blueprint Genetics
Classification: Likely benign. Last evaluated: 2024-02-29. Review status: criteria provided, single submitter. Criteria: ACMG Guidelines, 2015. Collection method: clinical testing. Allele origin: germline.

Ambry Genetics
Classification: Uncertain significance for Cardiovascular phenotype. Last evaluated: 2016-09-26. Review status: criteria provided, single submitter. Criteria: Ambry Variant Classification Scheme 2023. Collection method: clinical testing. Allele origin: germline.
Comment: The p.V228I variant (also known as c.682G>A), located in coding exon 5 of the ACVRL1 gene, results from a G to A substitution at nucleotide position 682. The valine at codon 228 is replaced by isoleucine, an amino acid with highly similar properties. This variant was previously reported in the SNPDatabase as rs138048445. Based on data from the NHLBI Exome Sequencing Project (ESP), the A allele has an overall frequency of approximately 0.01% (1/13006) total alleles studied, having been observed in 0.02% (1/4406) African American alleles. This amino acid position is well conserved in available vertebrate species. In addition, the in silico prediction for this alteration is inconclusive. Since supporting evidence is limited at this time, the clinical significance of this alteration remains unclear.

Literature cited by the submitters: PubMed 27630060 (cited by Labcorp Genetics (formerly Invitae), Labcorp and Women's Health and Genetics/Laboratory Corporation of America, LabCorp); PubMed 35997807 (cited by Women's Health and Genetics/Laboratory Corporation of America, LabCorp).

NM_000020.3(ACVRL1):c.682G>A (p.Val228Ile)

Gene: ACVRL1 (activin A receptor like type 1; plus strand). Cytogenetic location: 12q13.13.
Variant type: single nucleotide variant.
Coding change: c.682G>A on transcript NM_000020.3 (MANE Select); coding-DNA position 682, G replaced by A.
Protein change: p.Val228Ile; replaces valine 228 with isoleucine.
Molecular consequence: missense variant.
Genome position (GRCh38, 1-based): chr12:51,914,495, G>A. VCF-style: chr12-51914495-G-A. GRCh37 (hg19) VCF-style: chr12-52308279-G-A.
Other names: p.V228I:GTC>ATC; c.682G>A, p.Val228Ile (NM_001077401.2); short protein forms V228I.
Identifiers: ClinVar variation 212799 (VCV000212799.18), dbSNP rs138048445, ClinGen allele CA322926.